The following is an entry in ClinVar:

NM_000051.4(ATM):c.4777-4T>C

Gene: ATM (ATM serine/threonine kinase; plus strand). Cytogenetic location: 11q22.3.
Variant type: single nucleotide variant.
Coding change: c.4777-4T>C on transcript NM_000051.4 (MANE Select); 4 bases into the intron before coding-DNA position 4777, T replaced by C.
Molecular consequence: intron variant.
Genome position (GRCh38, 1-based): chr11:108,294,923, T>C. VCF-style: chr11-108294923-T-C. GRCh37 (hg19) VCF-style: chr11-108165650-T-C.
Other names: c.4777-4T>C (NM_001351834.2).
Identifiers: ClinVar variation 478924 (VCV000478924.16), dbSNP rs756025941, ClinGen allele CA6265556.

ClinVar aggregate classification (germline): Likely benign. Review status: criteria provided, multiple submitters, no conflicts (2 of 4 stars). 3 submissions from 3 submitters: Likely benign (3). Last evaluated 2026-02-05.

Conditions:
Ataxia-telangiectasia syndrome (AT). Also called: Ataxia telangiectasia (A-T); LOUIS-BAR SYNDROME; ATAXIA-TELANGIECTASIA, FRESNO VARIANT; Ataxia-telangiectasia; Ataxia-telangiectasia, complementation group E; Ataxia-telangiectasia, complementation group D. Identifiers: Orphanet 100, MedGen C0004135, MONDO:0008840, OMIM 208900.
Familial cancer of breast. Also called: Hereditary breast cancer; BREAST CANCER, FAMILIAL; hereditary breast carcinoma. Identifiers: Orphanet 227535, MedGen C0346153, MONDO:0016419, OMIM 114480. Disease mechanism: loss of function.
Hereditary cancer-predisposing syndrome. Also called: Tumor predisposition; Hereditary Cancer Syndrome; Neoplastic Syndromes, Hereditary; Hereditary neoplastic syndrome. Identifiers: Orphanet 140162, MedGen C0027672, MeSH D009386, MONDO:0015356.

Allele frequency attached by ClinVar (database versions not stated): gnomAD exomes below 0.00001 and 0.00001; ExAC 0.00001.

Submissions (3):

Ambry Genetics
Classification: Likely benign for Hereditary cancer-predisposing syndrome. Last evaluated: 2026-02-05. Review status: criteria provided, single submitter. Criteria: Ambry Variant Classification Scheme 2023. Collection method: clinical testing. Allele origin: germline.

Myriad Genetics, Inc.
Classification: Likely benign for Familial cancer of breast. Last evaluated: 2024-05-21. Review status: criteria provided, single submitter. Criteria: Myriad Autosomal Dominant, Autosomal Recessive and X-Linked Classification Criteria (2023). Collection method: clinical testing. Allele origin: unknown.
Comment: This variant is considered likely benign. This variant is intronic and is not expected to impact mRNA splicing.

Labcorp Genetics (formerly Invitae), Labcorp
Classification: Likely benign for Ataxia-telangiectasia syndrome. Last evaluated: 2019-09-26. Review status: criteria provided, single submitter. Criteria: Invitae Variant Classification Sherloc (09022015). Collection method: clinical testing. Allele origin: germline.